The following is an entry in ClinVar:

NM_001379451.1(BCORL1):c.2669G>A (p.Arg890Gln)

Gene: BCORL1 (BCL6 corepressor like 1; plus strand). Cytogenetic location: Xq26.1.
Variant type: single nucleotide variant.
Coding change: c.2669G>A on transcript NM_001379451.1 (MANE Select); coding-DNA position 2669, G replaced by A.
Protein change: p.Arg890Gln; replaces arginine 890 with glutamine.
Molecular consequence: missense variant.
Genome position (GRCh38, 1-based): chrX:130,015,441, G>A. VCF-style: chrX-130015441-G-A. GRCh37 (hg19) VCF-style: chrX-129149417-G-A.
Other names: c.2669G>A, p.Arg890Gln (NM_001184772.3, NM_001379450.1, NM_021946.5); short protein forms R890Q.
Identifiers: ClinVar variation 279699 (VCV000279699.30), dbSNP rs201843717, ClinGen allele CA10514392.

ClinVar aggregate classification (germline): Conflicting classifications of pathogenicity. Review status: criteria provided, conflicting classifications (1 of 4 stars). 4 submissions from 4 submitters: Uncertain significance (2); Likely benign (1). 1 of the submissions does not count toward it. Last evaluated 2023-06-01.

Conditions:
Shukla-Vernon syndrome. Identifiers: MedGen C5193146, MONDO:0026727, OMIM 301029.
BCORL1-related disorder. Also called: BCORL1-related condition.

Allele frequency attached by ClinVar (database versions not stated): ESP Exome Variant Server 0.00019; ExAC 0.00021; gnomAD 0.00022 and 0.00024; TOPMed 0.00023; gnomAD exomes 0.00025 and 0.00038; 1000 Genomes Project 30x 0.00062; 1000 Genomes Project 0.00079.
gnomAD v4.1: 434 of 1,211,004 alleles (0.036%); highest among the groups gnomAD compares: East Asian, 0.11%; no homozygotes.

Submissions (4):

CeGaT Center for Human Genetics Tuebingen
Classification: Likely benign. Last evaluated: 2023-06-01. Review status: criteria provided, single submitter. Criteria: CeGaT Center For Human Genetics Tuebingen Variant Classification Criteria Version 2. Collection method: clinical testing. Allele origin: germline. Affected: yes. Observed: 2 variant alleles.
Comment: BCORL1: BP4, BS2

Revvity Omics, Revvity
Classification: Uncertain significance for Shukla-Vernon syndrome. Last evaluated: 2022-01-19. Review status: criteria provided, single submitter. Criteria: ACMG Guidelines, 2015. Collection method: clinical testing. Allele origin: germline.

GeneDx
Classification: Uncertain significance. Last evaluated: 2016-08-30. Review status: criteria provided, single submitter. Criteria: GeneDx Variant Classification (06012015). Collection method: clinical testing. Allele origin: germline. Affected: yes.
Comment: The R890Q variant in the BCORL1 gene has not been published as a pathogenic variant, nor has it been reported as a benign polymorphism to our knowledge. The R890Q variant was not observed with any significant frequency in approximately 6,500 individuals of European and African American ancestry in the NHLBI Exome Sequencing Project. The R890Q variant is a semi-conservative amino acid substitution, which may impact secondary protein structure as these residues differ in some properties. This substitution occurs at a position that is conserved across species. In silico analysis is inconsistent in its predictions as to whether or not the variant is damaging to the protein structure/function. We interpret R890Q as a variant of unknown significance

PreventionGenetics, part of Exact Sciences
Classification: Likely benign for BCORL1-related condition. Last evaluated: 2022-11-22. Review status: no assertion criteria provided. Collection method: clinical testing. Allele origin: germline. Not counted in ClinVar's aggregate classification.
Comment: This variant is classified as likely benign based on ACMG/AMP sequence variant interpretation guidelines (Richards et al. 2015 PMID: 25741868, with internal and published modifications).